The following is an entry in ClinVar:

ClinVar aggregate classification (germline): Uncertain significance (1 of 4 stars; one submission).

Submission:

Labcorp Genetics (formerly Invitae), Labcorp
Classification: Uncertain significance. Last evaluated: 2024-10-28. Review status: criteria provided, single submitter. Criteria: Invitae Variant Classification Sherloc (09022015). Collection method: clinical testing. Allele origin: germline.
Comment: This sequence change replaces threonine, which is neutral and polar, with serine, which is neutral and polar, at codon 467 of the NEFH protein (p.Thr467Ser). This variant is not present in population databases (gnomAD no frequency). This variant has not been reported in the literature in individuals affected with NEFH-related conditions. Invitae Evidence Modeling of protein sequence and biophysical properties (such as structural, functional, and spatial information, amino acid conservation, physicochemical variation, residue mobility, and thermodynamic stability) indicates that this missense variant is not expected to disrupt NEFH protein function with a negative predictive value of 95%. In summary, the available evidence is currently insufficient to determine the role of this variant in disease. Therefore, it has been classified as a Variant of Uncertain Significance.

NM_021076.4(NEFH):c.1400C>G (p.Thr467Ser)

Gene: NEFH (neurofilament heavy chain; plus strand). Cytogenetic location: 22q12.2.
Variant type: single nucleotide variant.
Coding change: c.1400C>G on transcript NM_021076.4 (MANE Select); coding-DNA position 1400, C replaced by G.
Protein change: p.Thr467Ser; replaces threonine 467 with serine.
Molecular consequence: missense variant.
Genome position (GRCh38, 1-based): chr22:29,489,040, C>G. VCF-style: chr22-29489040-C-G. GRCh37 (hg19) VCF-style: chr22-29885029-C-G.
Other names: short protein forms T467S.
Identifiers: ClinVar variation 3637754 (VCV003637754.2).